The following is an entry in ClinVar:

NM_153252.5(BRWD3):c.368C>T (p.Ala123Val)

Gene: BRWD3 (bromodomain and WD repeat domain containing 3; minus strand). Cytogenetic location: Xq21.1.
Variant type: single nucleotide variant.
Coding change: c.368C>T on transcript NM_153252.5 (MANE Select); coding-DNA position 368, C replaced by T.
Protein change: p.Ala123Val; replaces alanine 123 with valine.
Molecular consequence: missense variant.
Genome position (GRCh38, 1-based): chrX:80,791,916, G>A on the plus strand (C>T on the coding strand, the complement: BRWD3 is on the minus strand). VCF-style: chrX-80791916-G-A. GRCh37 (hg19) VCF-style: chrX-80047415-G-A.
Other names: c.368C>T (NM_153252.4); short protein forms A123V.
Identifiers: ClinVar variation 2801333 (VCV002801333.4), dbSNP rs1229042522, ClinGen allele CA413612538.

ClinVar aggregate classification (germline): Uncertain significance. Review status: criteria provided, multiple submitters, no conflicts (2 of 4 stars). 3 submissions from 3 submitters: Uncertain significance (3). Last evaluated 2026-03-19.

Conditions:
Inborn genetic diseases. Identifiers: MedGen C0950123, MeSH D030342.

Allele frequency attached by ClinVar (database versions not stated): gnomAD 0.00001; gnomAD exomes 0.00001.
gnomAD v4.1: 7 of 1,203,832 alleles (0.00058%); highest among the groups gnomAD compares: East Asian, 0.0059%; no homozygotes.

Submissions (3):

Ambry Genetics
Classification: Uncertain significance for Inborn genetic diseases. Last evaluated: 2026-03-19. Review status: criteria provided, single submitter. Criteria: Ambry Variant Classification Scheme 2023. Collection method: clinical testing. Allele origin: germline.
Comment: The c.368C>T (p.A123V) alteration is located in exon 6 (coding exon 6) of the BRWD3 gene. This alteration results from a C to T substitution at nucleotide position 368, causing the alanine (A) at amino acid position 123 to be replaced by a valine (V). Based on data from gnomAD, the T allele has an overall frequency of 0.001% (1/177564) total alleles studied. The highest observed frequency was 0.004% (1/27069) of Latino alleles. Based on insufficient or conflicting evidence, the clinical significance of this alteration remains unclear.

GeneDx
Classification: Uncertain significance. Last evaluated: 2025-08-12. Review status: criteria provided, single submitter. Criteria: GeneDx Variant Classification Process June 2021. Collection method: clinical testing. Allele origin: germline. Affected: yes.
Comment: In silico analysis supports that this missense variant has a deleterious effect on protein structure/function; Has not been previously published as pathogenic or benign to our knowledge

Labcorp Genetics (formerly Invitae), Labcorp
Classification: Uncertain significance. Last evaluated: 2023-09-25. Review status: criteria provided, single submitter. Criteria: Invitae Variant Classification Sherloc (09022015). Collection method: clinical testing. Allele origin: germline.
Comment: In summary, the available evidence is currently insufficient to determine the role of this variant in disease. Therefore, it has been classified as a Variant of Uncertain Significance. Advanced modeling of protein sequence and biophysical properties (such as structural, functional, and spatial information, amino acid conservation, physicochemical variation, residue mobility, and thermodynamic stability) performed at Invitae indicates that this missense variant is not expected to disrupt BRWD3 protein function. This variant has not been reported in the literature in individuals affected with BRWD3-related conditions. The frequency data for this variant in the population databases is considered unreliable, as metrics indicate poor data quality at this position in the gnomAD database. This sequence change replaces alanine, which is neutral and non-polar, with valine, which is neutral and non-polar, at codon 123 of the BRWD3 protein (p.Ala123Val).